The following is an entry in ClinVar:

ClinVar aggregate classification (germline): Uncertain significance (1 of 4 stars; one submission).

gnomAD v4.1: 1 of 1,187,492 alleles (0.000084%); highest among the groups gnomAD compares: Non-Finnish European, 0.00011%; no homozygotes.

Submission:

GeneDx
Classification: Uncertain significance. Last evaluated: 2025-07-17. Review status: criteria provided, single submitter. Criteria: GeneDx Variant Classification Process June 2021. Collection method: clinical testing. Allele origin: germline. Affected: yes.
Comment: Not observed at significant frequency in large population cohorts (gnomAD); In silico analysis supports that this missense variant has a deleterious effect on protein structure/function; Has not been previously published as pathogenic or benign to our knowledge

NM_031407.7(HUWE1):c.12442A>G (p.Ser4148Gly)

Gene: HUWE1 (HECT, UBA and WWE domain containing E3 ubiquitin protein ligase 1; minus strand). Cytogenetic location: Xp11.22.
Variant type: single nucleotide variant.
Coding change: c.12442A>G on transcript NM_031407.7 (MANE Select); coding-DNA position 12442, A replaced by G.
Protein change: p.Ser4148Gly; replaces serine 4148 with glycine.
Molecular consequence: missense variant.
Genome position (GRCh38, 1-based): chrX:53,536,236, T>C on the plus strand (A>G on the coding strand, the complement: HUWE1 is on the minus strand). VCF-style: chrX-53536236-T-C. GRCh37 (hg19) VCF-style: chrX-53563197-T-C.
Other names: c.12394A>G, p.Ser4132Gly (NM_001441048.1, NM_001441053.1, NM_001441058.1); c.12397A>G, p.Ser4133Gly (NM_001441049.1, NM_001441054.1); c.12418A>G, p.Ser4140Gly (NM_001441050.1, NM_001441055.1); c.12439A>G, p.Ser4147Gly (NM_001441051.1, NM_001441056.1); c.12040A>G, p.Ser4014Gly (NM_001441052.1); c.12442A>G, p.Ser4148Gly (NM_001441057.1); short protein forms S4014G, S4132G, S4133G, S4140G, S4147G, S4148G.
Identifiers: ClinVar variation 4686523 (VCV004686523.1).